The following is an entry in ClinVar:

ClinVar aggregate classification (germline): Pathogenic (1 of 4 stars; one submission).

Conditions:
Cortical dysplasia-focal epilepsy syndrome (PTHSL1). Also called: Pitt-Hopkins-like syndrome 1. Identifiers: Orphanet 163681, Orphanet 221150, MedGen C2750246, MONDO:0012400, OMIM 610042.

Submission:

Labcorp Genetics (formerly Invitae), Labcorp
Classification: Pathogenic for Cortical dysplasia-focal epilepsy syndrome. Last evaluated: 2022-02-08. Review status: criteria provided, single submitter. Criteria: Invitae Variant Classification Sherloc (09022015). Collection method: clinical testing. Allele origin: germline.
Comment: For these reasons, this variant has been classified as Pathogenic. This variant has not been reported in the literature in individuals affected with CNTNAP2-related conditions. This variant is not present in population databases (gnomAD no frequency). This sequence change creates a premature translational stop signal (p.His262Thrfs*5) in the CNTNAP2 gene. It is expected to result in an absent or disrupted protein product. Loss-of-function variants in CNTNAP2 are known to be pathogenic (PMID: 19896112, 21827697, 25045150, 26843181, 27439707).

Literature cited by the submitters: PubMed 19896112; PubMed 21827697; PubMed 25045150; PubMed 26843181; PubMed 27439707.

NM_014141.6(CNTNAP2):c.782_783insGA (p.His262fs)

Gene: CNTNAP2 (contactin associated protein 2; plus strand). Cytogenetic location: 7q35.
Variant type: Insertion.
Coding change: c.782_783insGA on transcript NM_014141.6 (MANE Select); coding-DNA positions 782 to 783, GA inserted.
Protein change: p.His262fs; shifts the reading frame from histidine 262.
Molecular consequence: frameshift variant.
Genome position: GRCh38 VCF-style: chr7-147121006-G-GGA. GRCh37 (hg19) VCF-style: chr7-146818098-G-GGA.
Other names: short protein forms H262fs.
Identifiers: ClinVar variation 1457131 (VCV001457131.6), dbSNP rs2129282705, ClinGen allele CA2573141783.